The following is an entry in ClinVar:

ClinVar aggregate classification (germline): Pathogenic (1 of 4 stars; one submission).

Conditions:
Autosomal recessive spinocerebellar ataxia 10. Identifiers: Orphanet 284289, MedGen C3150998, MONDO:0013392, OMIM 613728.

Submission:

Myriad Genetics, Inc.
Classification: Pathogenic for Autosomal recessive spinocerebellar ataxia 10. Last evaluated: 2025-06-02. Review status: criteria provided, single submitter. Criteria: Myriad Autosomal Dominant, Autosomal Recessive and X-Linked Classification Criteria (2023). Collection method: clinical testing. Allele origin: unknown.
Comment: NM_018075.3(ANO10):c.1254T>G(Y418*) is expected to be pathogenic in the context of spinocerebellar ataxia, ANO10-related. This variant is predicted to lead to an abnormal or absent protein product due to the creation of a premature termination codon in ANO10, a gene where loss-of-function variants are known to be pathogenic. Please note: this variant was assessed in the context of healthy population screening.

NM_018075.5(ANO10):c.1254T>G (p.Tyr418Ter)

Gene: ANO10 (anoctamin 10; minus strand). Cytogenetic location: 3p22.1.
Variant type: single nucleotide variant.
Coding change: c.1254T>G on transcript NM_018075.5 (MANE Select); coding-DNA position 1254, T replaced by G.
Protein change: p.Tyr418Ter; replaces tyrosine 418 with a stop codon.
Molecular consequence: nonsense.
Genome position (GRCh38, 1-based): chr3:43,565,692, A>C on the plus strand (T>G on the coding strand, the complement: ANO10 is on the minus strand). VCF-style: chr3-43565692-A-C. GRCh37 (hg19) VCF-style: chr3-43607184-A-C.
Other names: c.1254T>G, p.Tyr418Ter (NM_001204831.3, NM_001346463.2, NM_001346464.2 and 3 more transcripts); c.1056T>G, p.Tyr352Ter (NM_001204832.3, NM_001346466.2, NM_001346469.2); c.921T>G, p.Tyr307Ter (NM_001204833.3); c.684T>G, p.Tyr228Ter (NM_001204834.3); short protein forms Y228*, Y307*, Y352*, Y418*.
Identifiers: ClinVar variation 5014547 (VCV005014547.1).